The following is an entry in ClinVar:

NM_001101.5(ACTB):c.984+3G>A

Gene: ACTB (actin beta; minus strand). Cytogenetic location: 7p22.1.
Variant type: single nucleotide variant.
Coding change: c.984+3G>A on transcript NM_001101.5 (MANE Select); 3 bases into the intron after coding-DNA position 984, G replaced by A.
Molecular consequence: intron variant.
Genome position (GRCh38, 1-based): chr7:5,528,001, C>T on the plus strand (G>A on the coding strand, the complement: ACTB is on the minus strand). VCF-style: chr7-5528001-C-T. GRCh37 (hg19) VCF-style: chr7-5567632-C-T.
Identifiers: ClinVar variation 2573455 (VCV002573455.1), dbSNP rs878971183, ClinGen allele CA839807182.

ClinVar aggregate classification (germline): Uncertain significance (1 of 4 stars; one submission).

Allele frequency attached by ClinVar (database versions not stated): gnomAD exomes below 0.00001; TOPMed below 0.00001.
gnomAD v4.1: 1 of 1,613,104 alleles (0.000062%); highest among the groups gnomAD compares: African/African-American, 0.0013%; no homozygotes.

Submission:

Women's Health and Genetics/Laboratory Corporation of America, LabCorp
Classification: Uncertain significance. Last evaluated: 2023-06-19. Review status: criteria provided, single submitter. Criteria: LabCorp Variant Classification Summary - May 2015. Collection method: clinical testing. Allele origin: germline.
Comment: Variant summary: ACTB c.984+3G>A alters a non-conserved nucleotide located close to a canonical splice site and therefore could affect mRNA splicing, leading to a significantly altered protein sequence. 4/4 computational tools predict no significant impact on normal splicing. However, these predictions have yet to be confirmed by functional studies. The variant was absent in 251458 control chromosomes (gnomAD). The available data on variant occurrences in the general population are insufficient to allow any conclusion about variant significance. To our knowledge, no occurrence of c.984+3G>A in individuals affected with Baraitser-Winter Syndrome 1 and no experimental evidence demonstrating its impact on protein function have been reported. No submitters have cited clinical-significance assessments for this variant to ClinVar after 2014. Based on the evidence outlined above, the variant was classified as uncertain significance.